The following is an entry in ClinVar:

NM_001378969.1(KCND3):c.1732A>G (p.Ile578Val)

Gene: KCND3 (potassium voltage-gated channel subfamily D member 3; minus strand). Cytogenetic location: 1p13.2.
Variant type: single nucleotide variant.
Coding change: c.1732A>G on transcript NM_001378969.1 (MANE Select); coding-DNA position 1732, A replaced by G.
Protein change: p.Ile578Val; replaces isoleucine 578 with valine.
Molecular consequence: missense variant.
Genome position (GRCh38, 1-based): chr1:111,777,060, T>C on the plus strand (A>G on the coding strand, the complement: KCND3 is on the minus strand). VCF-style: chr1-111777060-T-C. GRCh37 (hg19) VCF-style: chr1-112319682-T-C.
Other names: c.1675A>G, p.Ile559Val (NM_001378970.1, NM_172198.3); c.1732A>G, p.Ile578Val (NM_004980.5); short protein forms I578V, I559V.
Identifiers: ClinVar variation 3287542 (VCV003287542.1).

ClinVar aggregate classification (germline): Uncertain significance (1 of 4 stars; one submission).

Conditions:
Cardiovascular phenotype. Identifiers: MedGen CN230736.

Submission:

Ambry Genetics
Classification: Uncertain significance for Cardiovascular phenotype. Last evaluated: 2024-04-21. Review status: criteria provided, single submitter. Criteria: Ambry Variant Classification Scheme 2023. Collection method: clinical testing. Allele origin: germline.
Comment: The p.I578V variant (also known as c.1732A>G), located in coding exon 6 of the KCND3 gene, results from an A to G substitution at nucleotide position 1732. The isoleucine at codon 578 is replaced by valine, an amino acid with highly similar properties. This amino acid position is conserved. In addition, the in silico prediction for this alteration is inconclusive. Based on the available evidence, the clinical significance of this variant remains unclear.